The following is an entry in ClinVar:

ClinVar aggregate classification (germline): Likely benign (1 of 4 stars; one submission).

Allele frequency attached by ClinVar (database versions not stated): ExAC 0.00009; TOPMed 0.00013; gnomAD exomes 0.00016; gnomAD 0.00018.
gnomAD v4.1: 248 of 1,551,802 alleles (0.016%); highest among the groups gnomAD compares: Non-Finnish European, 0.015%; no homozygotes.

Submission:

CeGaT Center for Human Genetics Tuebingen
Classification: Likely benign. Last evaluated: 2023-01-01. Review status: criteria provided, single submitter. Criteria: CeGaT Center For Human Genetics Tuebingen Variant Classification Criteria Version 2. Collection method: clinical testing. Allele origin: germline. Affected: yes. Observed: 1 variant allele.
Comment: NWD2: BP4, BP7

NM_001144990.2(NWD2):c.2775G>A (p.Leu925=)

Gene: NWD2 (NACHT and WD repeat domain containing 2; plus strand). Cytogenetic location: 4p14.
Variant type: single nucleotide variant.
Coding change: c.2775G>A on transcript NM_001144990.2 (MANE Select); coding-DNA position 2775, G replaced by A.
Protein change: p.Leu925=; no amino-acid change (leucine 925 retained).
Molecular consequence: synonymous variant.
Genome position (GRCh38, 1-based): chr4:37,444,763, G>A. VCF-style: chr4-37444763-G-A. GRCh37 (hg19) VCF-style: chr4-37446385-G-A.
Identifiers: ClinVar variation 2654713 (VCV002654713.24), dbSNP rs764641204, ClinGen allele CA2885945.